The following is an entry in ClinVar:

NM_001482.3(GATM):c.14G>T (p.Arg5Leu)

Genes: GATM (glycine amidinotransferase; minus strand), LOC130056991 (ATAC-STARR-seq lymphoblastoid silent region 6406; plus strand). Cytogenetic location: 15q21.1.
Variant type: single nucleotide variant.
Coding change: c.14G>T on transcript NM_001482.3 (MANE Select); coding-DNA position 14, G replaced by T.
Protein change: p.Arg5Leu; replaces arginine 5 with leucine.
Molecular consequence: missense variant. On other transcripts: intron variant (1).
Genome position (GRCh38, 1-based): chr15:45,378,440, C>A on the plus strand (G>T on the coding strand, the complement: GATM is on the minus strand). VCF-style: chr15-45378440-C-A. GRCh37 (hg19) VCF-style: chr15-45670638-C-A.
Other names: c.-318-1621G>T (NM_001321015.2); short protein forms R5L.
Identifiers: ClinVar variation 2836755 (VCV002836755.3), dbSNP rs2542010154, ClinGen allele CA392266714.

ClinVar aggregate classification (germline): Uncertain significance (1 of 4 stars; one submission).

Conditions:
Arginine:glycine amidinotransferase deficiency (CCDS3). Also called: L-Arginine:Glycine Amidinotransferase (AGAT) Deficiency; AGAT deficiency; L-Arginine:Glycine Amidinotransferase Deficiency; Creatine deficiency syndrome due to AGAT deficiency; GATM deficiency; Cerebral creatine deficiency syndrome 3. Identifiers: Orphanet 35704, MedGen C2675179, MONDO:0012996, OMIM 612718.

Submission:

Labcorp Genetics (formerly Invitae), Labcorp
Classification: Uncertain significance for Arginine:glycine amidinotransferase deficiency. Last evaluated: 2023-02-13. Review status: criteria provided, single submitter. Criteria: Invitae Variant Classification Sherloc (09022015). Collection method: clinical testing. Allele origin: germline.
Comment: This sequence change replaces arginine, which is basic and polar, with leucine, which is neutral and non-polar, at codon 5 of the GATM protein (p.Arg5Leu). This variant is not present in population databases (gnomAD no frequency). This variant has not been reported in the literature in individuals affected with GATM-related conditions. Algorithms developed to predict the effect of missense changes on protein structure and function are either unavailable or do not agree on the potential impact of this missense change (SIFT: "Deleterious"; PolyPhen-2: "Benign"; Align-GVGD: "Class C0"). In summary, the available evidence is currently insufficient to determine the role of this variant in disease. Therefore, it has been classified as a Variant of Uncertain Significance.